The following is an entry in ClinVar:

NM_005334.3(HCFC1):c.4226C>G (p.Ala1409Gly)

Gene: HCFC1 (host cell factor C1; minus strand). Cytogenetic location: Xq28.
Variant type: single nucleotide variant.
Coding change: c.4226C>G on transcript NM_005334.3 (MANE Select); coding-DNA position 4226, C replaced by G.
Protein change: p.Ala1409Gly; replaces alanine 1409 with glycine.
Molecular consequence: missense variant.
Genome position (GRCh38, 1-based): chrX:153,954,173, G>C on the plus strand (C>G on the coding strand, the complement: HCFC1 is on the minus strand). VCF-style: chrX-153954173-G-C. GRCh37 (hg19) VCF-style: chrX-153219624-G-C.
Other names: c.4226C>G, p.Ala1409Gly (NM_001410705.1); short protein forms A1409G.
Identifiers: ClinVar variation 3714165 (VCV003714165.2).

ClinVar aggregate classification (germline): Uncertain significance (1 of 4 stars; one submission).

Conditions:
Methylmalonic acidemia with homocystinuria, type cblX (MAHCX). Also called: INTELLECTUAL DEVELOPMENTAL DISORDER, X-LINKED 3. Identifiers: Orphanet 369962, MedGen C0796208, MONDO:0010657, OMIM 309541.

gnomAD v4.1: 3 of 1,200,919 alleles (0.00025%); highest among the groups gnomAD compares: Non-Finnish European, 0.00022%; no homozygotes.

Submission:

Labcorp Genetics (formerly Invitae), Labcorp
Classification: Uncertain significance for Methylmalonic acidemia with homocystinuria, type cblX. Last evaluated: 2024-11-16. Review status: criteria provided, single submitter. Criteria: Invitae Variant Classification Sherloc (09022015). Collection method: clinical testing. Allele origin: germline.
Comment: This sequence change replaces alanine, which is neutral and non-polar, with glycine, which is neutral and non-polar, at codon 1409 of the HCFC1 protein (p.Ala1409Gly). This variant is present in population databases (rs782540354, gnomAD 0.004%), including at least one homozygous and/or hemizygous individual. This variant has not been reported in the literature in individuals affected with HCFC1-related conditions. An algorithm developed to predict the effect of missense changes on protein structure and function (PolyPhen-2) suggests that this variant is likely to be tolerated. In summary, the available evidence is currently insufficient to determine the role of this variant in disease. Therefore, it has been classified as a Variant of Uncertain Significance.